The following is an entry in ClinVar:

ClinVar aggregate classification (germline): Uncertain significance. Review status: criteria provided, single submitter (1 of 4 stars). 2 submissions from 2 submitters: Uncertain significance (1). 1 of the submissions does not count toward it. Last evaluated 2016-04-25.

Conditions:
Walker-Warburg congenital muscular dystrophy. Also called: Muscular dystrophy-dystroglycanopathy, type A; Walker-Warburg syndrome. Identifiers: Orphanet 899, MedGen C0265221, MONDO:0000171.
Cardiovascular phenotype. Identifiers: MedGen CN230736.

Allele frequency attached by ClinVar (database versions not stated): gnomAD exomes below 0.00001; TOPMed 0.00001.
gnomAD v4.1: 3 of 1,613,888 alleles (0.00019%); highest among the groups gnomAD compares: Non-Finnish European, 0.00025%; no homozygotes.

Submissions (2):

Ambry Genetics
Classification: Uncertain significance for Cardiovascular phenotype. Last evaluated: 2016-04-25. Review status: criteria provided, single submitter. Criteria: Ambry Variant Classification Scheme 2023. Collection method: clinical testing. Allele origin: germline.
Comment: The p.L153V variant (also known as c.457C>G), located in coding exon 4 of the FKTN gene, results from a C to G substitution at nucleotide position 457. The leucine at codon 153 is replaced by valine, an amino acid with highly similar properties. This variant was not reported in population based cohorts in the following databases: Database of Single Nucleotide Polymorphisms (dbSNP), NHLBI Exome Sequencing Project (ESP), and 1000 Genomes Project. In the ESP, this variant was not observed in 6503 samples (13006 alleles) with coverage at this position. This amino acid position is highly conserved in available vertebrate species. In addition, the in silico prediction for this alteration is inconclusive. Since supporting evidence is limited at this time, the clinical significance of this alteration remains unclear.

Natera, Inc.
Classification: Uncertain significance for Walker-Warburg congenital muscular dystrophy. Last evaluated: 2020-10-06. Review status: no assertion criteria provided. Collection method: clinical testing. Allele origin: germline. Not counted in ClinVar's aggregate classification.

NM_001079802.2(FKTN):c.457C>G (p.Leu153Val)

Gene: FKTN (fukutin; plus strand). Cytogenetic location: 9q31.2.
Variant type: single nucleotide variant.
Coding change: c.457C>G on transcript NM_001079802.2 (MANE Select); coding-DNA position 457, C replaced by G.
Protein change: p.Leu153Val; replaces leucine 153 with valine.
Molecular consequence: missense variant. On other transcripts: non-coding transcript variant (2).
Genome position (GRCh38, 1-based): chr9:105,604,302, C>G. VCF-style: chr9-105604302-C-G. GRCh37 (hg19) VCF-style: chr9-108366583-C-G.
Other names: c.457C>G, p.Leu153Val (NM_001198963.2, NM_001351496.2, NM_001351498.2 and 1 more transcripts); c.388C>G, p.Leu130Val (NM_001351497.2); c.61C>G, p.Leu21Val (NM_001351499.2, NM_001351500.2, NM_001351501.2 and 1 more transcripts); short protein forms L153V, L130V, L21V.
Identifiers: ClinVar variation 518910 (VCV000518910.6), dbSNP rs977350409, ClinGen allele CA197437602.
Genomic context (GRCh38, chr9:105,604,302, plus strand): 5'-ATGGGATTTCAGTGCCTAAAGATTGAGAGTAAAGATCCCCGGCTAGACGGGATAGACTCA[C>G]TCTCTGGAACTGAAATCCCCCTGCACTATATCTGCAAACTGGCCACTCATGCGATCCACT-3'
Protein context (NP_001073270.1, residues 143-163): KDPRLDGIDS[Leu153Val]SGTEIPLHYI